The following is an entry in ClinVar:

ClinVar aggregate classification (germline): Uncertain significance (1 of 4 stars; one submission).

Submission:

Labcorp Genetics (formerly Invitae), Labcorp
Classification: Uncertain significance. Last evaluated: 2024-05-24. Review status: criteria provided, single submitter. Criteria: Invitae Variant Classification Sherloc (09022015). Collection method: clinical testing. Allele origin: germline.
Comment: This sequence change replaces arginine, which is basic and polar, with methionine, which is neutral and non-polar, at codon 398 of the USH2A protein (p.Arg398Met). This variant is not present in population databases (gnomAD no frequency). This variant has not been reported in the literature in individuals affected with USH2A-related conditions. ClinVar contains an entry for this variant (Variation ID: 1017726). Advanced modeling of protein sequence and biophysical properties (such as structural, functional, and spatial information, amino acid conservation, physicochemical variation, residue mobility, and thermodynamic stability) performed at Invitae indicates that this missense variant is not expected to disrupt USH2A protein function with a negative predictive value of 95%. In summary, the available evidence is currently insufficient to determine the role of this variant in disease. Therefore, it has been classified as a Variant of Uncertain Significance.

NM_206933.4(USH2A):c.1193G>T (p.Arg398Met)

Gene: USH2A (usherin; minus strand). Cytogenetic location: 1q41.
Variant type: single nucleotide variant.
Coding change: c.1193G>T on transcript NM_206933.4 (MANE Select); coding-DNA position 1193, G replaced by T.
Protein change: p.Arg398Met; replaces arginine 398 with methionine.
Molecular consequence: missense variant.
Genome position (GRCh38, 1-based): chr1:216,324,303, C>A on the plus strand (G>T on the coding strand, the complement: USH2A is on the minus strand). VCF-style: chr1-216324303-C-A. GRCh37 (hg19) VCF-style: chr1-216497645-C-A.
Other names: c.1193G>T, p.Arg398Met (NM_007123.6); short protein forms R398M.
Identifiers: ClinVar variation 1017726 (VCV001017726.8), dbSNP rs1329126988, ClinGen allele CA344911949.